The following is an entry in ClinVar:

NM_001048174.2(MUTYH):c.655C>G (p.Arg219Gly)

Gene: MUTYH (mutY DNA glycosylase; minus strand). Cytogenetic location: 1p34.1.
Variant type: single nucleotide variant.
Coding change: c.655C>G on transcript NM_001048174.2 (MANE Select); coding-DNA position 655, C replaced by G.
Protein change: p.Arg219Gly; replaces arginine 219 with glycine.
Molecular consequence: missense variant. On other transcripts: non-coding transcript variant (2).
Genome position (GRCh38, 1-based): chr1:45,332,440, G>C on the plus strand (C>G on the coding strand, the complement: MUTYH is on the minus strand). VCF-style: chr1-45332440-G-C. GRCh37 (hg19) VCF-style: chr1-45798112-G-C.
Other names: c.655C>G, p.Arg219Gly (NM_001048171.2, NM_001048173.2, NM_001293195.2); c.658C>G, p.Arg220Gly (NM_001048172.2); c.739C>G, p.Arg247Gly (NM_001128425.2); c.700C>G, p.Arg234Gly (NM_001293190.2); c.688C>G, p.Arg230Gly (NM_001293191.2); c.379C>G, p.Arg127Gly (NM_001293192.2, NM_001293196.2); c.310C>G, p.Arg104Gly (NM_001350650.2, NM_001350651.2); c.730C>G, p.Arg244Gly (NM_012222.3); short protein forms R247G, R127G, R230G, R244G, R104G, R220G, R219G, R234G.
Identifiers: ClinVar variation 587355 (VCV000587355.15), dbSNP rs587782885, ClinGen allele CA340134841.

ClinVar aggregate classification (germline): Likely pathogenic. Review status: criteria provided, multiple submitters, no conflicts (2 of 4 stars). 4 submissions from 4 submitters: Likely pathogenic (3). 1 of the submissions does not count toward it. Last evaluated 2026-07-27.

Conditions:
Hereditary cancer-predisposing syndrome. Also called: Hereditary Cancer Syndrome; Hereditary neoplastic syndrome; Neoplastic Syndromes, Hereditary; Tumor predisposition. Identifiers: Orphanet 140162, MedGen C0027672, MeSH D009386, MONDO:0015356.
Familial adenomatous polyposis 2. Also called: ADENOMAS, MULTIPLE COLORECTAL, AUTOSOMAL RECESSIVE; MUTYH-associated polyposis; MUTYH-related attenuated familial adenomatous polyposis; FAP type 2; MUTYH Polyposis; MYH-associated polyposis. Identifiers: Orphanet 220460, Orphanet 247798, MedGen C3272841, MONDO:0012041, OMIM 608456.

Submissions (4):

Myriad Genetics, Inc.
Classification: Likely pathogenic for Familial adenomatous polyposis 2. Last evaluated: 2026-07-27. Review status: criteria provided, single submitter. Criteria: Myriad Autosomal Dominant, Autosomal Recessive and X-Linked Classification Criteria (2023). Collection method: clinical testing. Allele origin: unknown.
Comment: This variant is considered likely pathogenic. This variant has been reported in an individual with clinical features of gene-specific disease [PMID: 31285513]. Functional studies indicate this variant impacts protein function [PMID: 40738107]. This variant is expected to disrupt protein structure [Myriad internal data].

Labcorp Genetics (formerly Invitae), Labcorp
Classification: Likely pathogenic for Familial adenomatous polyposis 2. Last evaluated: 2023-11-27. Review status: criteria provided, single submitter. Criteria: Invitae Variant Classification Sherloc (09022015). Collection method: clinical testing. Allele origin: germline.
Comment: This sequence change replaces arginine, which is basic and polar, with glycine, which is neutral and non-polar, at codon 247 of the MUTYH protein (p.Arg247Gly). The frequency data for this variant in the population databases is considered unreliable, as metrics indicate poor data quality at this position in the gnomAD database. This missense change has been observed in individual(s) with colorectal polyposis and cancer (PMID: 29330641, 31285513). In at least one individual the data is consistent with being in trans (on the opposite chromosome) from a pathogenic variant. It has also been observed to segregate with disease in related individuals. ClinVar contains an entry for this variant (Variation ID: 587355). An algorithm developed to predict the effect of missense changes on protein structure and function (PolyPhen-2) suggests that this variant is likely to be disruptive. Experimental studies have shown that this missense change affects MUTYH function (PMID: 26694661, 31285513). This variant disrupts the p.Arg247 amino acid residue in MUTYH. Other variant(s) that disrupt this residue have been observed in individuals with MUTYH-related conditions (Invitae), which suggests that this may be a clinically significant amino acid residue. In summary, the currently available evidence indicates that the variant is pathogenic, but additional data are needed to prove that conclusively. Therefore, this variant has been classified as Likely Pathogenic.

Ambry Genetics
Classification: Likely pathogenic for Hereditary cancer-predisposing syndrome. Last evaluated: 2020-01-22. Review status: criteria provided, single submitter. Criteria: Ambry Variant Classification Scheme 2023. Collection method: clinical testing. Allele origin: germline.
Comment: The p.R247G variant (also known as c.739C>G), located in coding exon 9 of the MUTYH gene, results from a C to G substitution at nucleotide position 739. The arginine at codon 247 is replaced by glycine, an amino acid with dissimilar properties. In one study, this alteration demonstrated partially retained functional activity (Shinmura K et al. Hum. Mutat., 2016 Apr;37:350-3). This alteration has also been detected in trans with a pathogenic MUTYH alteration in two siblings who presented with early-onset polyposis. One sibling was also diagnosed with early-onset colorectal cancer (Lorca V et al. Sci Rep, 2019 Jul;9:9814). This variant was not reported in population-based cohorts in the Genome Aggregation Database (gnomAD). This amino acid position is highly conserved in available vertebrate species. In addition, the in silico prediction for this alteration is inconclusive. Based on the majority of available evidence to date, this variant is likely to be pathogenic.

Molecular Oncology Laboratory, Hospital Clínico San Carlos
Classification: Likely pathogenic for Familial adenomatous polyposis 2. Last evaluated: 2018-06-01. Review status: no assertion criteria provided. Criteria: ACMG Guidelines, 2015. Collection method: clinical testing. Allele origin: germline. Inheritance: Autosomal recessive inheritance. Affected: yes. Not counted in ClinVar's aggregate classification.

Literature cited by the submitters: PubMed 31285513 (cited by 3 submitters); PubMed 40738107 (cited by Myriad Genetics, Inc.); PubMed 29330641 (cited by Labcorp Genetics (formerly Invitae), Labcorp); PubMed 26694661 (cited by Labcorp Genetics (formerly Invitae), Labcorp and Ambry Genetics).